The following is an entry in ClinVar:

NM_005619.5(RTN2):c.180G>A (p.Arg60=)

Genes: OPA3-RTN2 (OPA3-RTN2 readthrough; minus strand), RTN2 (reticulon 2; minus strand). Cytogenetic location: 19q13.32.
Variant type: single nucleotide variant.
Coding change: c.180G>A on transcript NM_005619.5 (MANE Select); coding-DNA position 180, G replaced by A.
Protein change: p.Arg60=; no amino-acid change (arginine 60 retained).
Molecular consequence: synonymous variant.
Genome position (GRCh38, 1-based): chr19:45,494,905, C>T on the plus strand (G>A on the coding strand, the complement: RTN2 is on the minus strand). VCF-style: chr19-45494905-C-T. GRCh37 (hg19) VCF-style: chr19-45998163-C-T.
Other names: c.180G>A, p.Arg60= (NM_206900.3).
Identifiers: ClinVar variation 3355039 (VCV003355039.2).

ClinVar aggregate classification (germline): Likely benign. Review status: criteria provided, single submitter (1 of 4 stars). 2 submissions from 2 submitters: Likely benign (1). 1 of the submissions does not count toward it. Last evaluated 2019-11-26.

Conditions:
RTN2-related disorder. Also called: RTN2-related condition.

Submissions (2):

Blueprint Genetics
Classification: Likely benign. Last evaluated: 2019-11-26. Review status: criteria provided, single submitter. Criteria: ACMG Guidelines, 2015. Collection method: clinical testing. Allele origin: germline.

PreventionGenetics, part of Exact Sciences
Classification: Likely benign for RTN2-related condition. Last evaluated: 2019-09-18. Review status: no assertion criteria provided. Collection method: clinical testing. Allele origin: germline. Not counted in ClinVar's aggregate classification.
Comment: This variant is classified as likely benign based on ACMG/AMP sequence variant interpretation guidelines (Richards et al. 2015 PMID: 25741868, with internal and published modifications).